The following is an entry in ClinVar:

NM_000384.3(APOB):c.1266A>G (p.Ser422=)

Gene: APOB (apolipoprotein B; minus strand). Cytogenetic location: 2p24.1.
Variant type: single nucleotide variant.
Coding change: c.1266A>G on transcript NM_000384.3 (MANE Select); coding-DNA position 1266, A replaced by G.
Protein change: p.Ser422=; no amino-acid change (serine 422 retained).
Molecular consequence: synonymous variant.
Genome position (GRCh38, 1-based): chr2:21,032,440, T>C on the plus strand (A>G on the coding strand, the complement: APOB is on the minus strand). VCF-style: chr2-21032440-T-C. GRCh37 (hg19) VCF-style: chr2-21255312-T-C.
Identifiers: ClinVar variation 523730 (VCV000523730.15), dbSNP rs752197838, ClinGen allele CA050800.
Genomic context (GRCh38, chr2:21,032,440, plus strand): 5'-CAAGGTGGCTCGGCTGCGCTGATCCCTCGCCATGTTGAAGATCTCTCGCAGCTGCTGTGC[T>C]GAGGGCTCGGGGATCAGGGCCACCAGGTAGGTGACCACATCTATCAGAAGGGGGTTGGCA-3'
Protein context (NP_000375.3, residues 412-432): TYLVALIPEP[Ser422=]AQQLREIFNM

ClinVar aggregate classification (germline): Conflicting classifications of pathogenicity. Review status: criteria provided, conflicting classifications (1 of 4 stars). 6 submissions from 6 submitters: Uncertain significance (1); Likely benign (5). Last evaluated 2026-09-01.

Conditions:
Cardiovascular phenotype. Identifiers: MedGen CN230736.
Hypercholesterolemia, familial, 1. Also called: LDL RECEPTOR DISORDER; Hyperlipoproteinemia Type IIa; HYPER-LOW-DENSITY-LIPOPROTEINEMIA; HYPERCHOLESTEROLEMIC XANTHOMATOSIS, FAMILIAL; Fredrickson type IIa hyperlipoproteinemia; Hyperlipoproteinemia type 2. Identifiers: Orphanet 391665, MedGen C0745103, MONDO:0007750, OMIM 143890.
Familial hypobetalipoproteinemia 1. Also called: APOB-Related Familial Hypobetalipoproteinemia; Hypobetalipoproteinemia, normotriglyceridemic; Acanthocytosis with hypobetalipoproteinemia. Identifiers: MedGen C4551990, MONDO:0014252, OMIM 615558.
Hypercholesterolemia, autosomal dominant, type B (FHCL2). Also called: HYPERCHOLESTEROLEMIA, FAMILIAL, DUE TO LIGAND-DEFECTIVE APOLIPOPROTEIN B; Familial Hypercholesterolemia Type B; Familial hypercholesterolemia 2; APOB-Related Familial Hypercholesterolemia, Autosomal Dominant; Hyperlipoproteinemia Type IIb; APOLIPOPROTEIN B-100, FAMILIAL DEFECTIVE. Identifiers: MedGen C1704417, MONDO:0007751, OMIM 144010.
Familial hypercholesterolemia. Also called: Familial hypercholesterolaemia; Familial hypercholesterolemias. Identifiers: MedGen C0020445, MONDO:0005439.

Allele frequency attached by ClinVar (database versions not stated): gnomAD exomes below 0.00001; ExAC 0.00001; gnomAD 0.00001 and 0.00002; TOPMed 0.00002.
gnomAD v4.1: 5 of 1,614,046 alleles (0.00031%); highest among the groups gnomAD compares: Admixed American, 0.0017%; no homozygotes.

Submissions (6):

CeGaT Center for Human Genetics Tuebingen
Classification: Likely benign. Last evaluated: 2026-09-01. Review status: criteria provided, single submitter. Criteria: CeGaT Center For Human Genetics Tuebingen Variant Classification Criteria Version 2. Collection method: clinical testing. Allele origin: germline. Affected: yes. Observed: 3 variant alleles.
Comment: APOB: BP4, BP7

Labcorp Genetics (formerly Invitae), Labcorp
Classification: Likely benign for Familial hypobetalipoproteinemia 1; Hypercholesterolemia, autosomal dominant, type B. Last evaluated: 2025-07-25. Review status: criteria provided, single submitter. Criteria: Invitae Variant Classification Sherloc (09022015). Collection method: clinical testing. Allele origin: germline.

ARUP Laboratories, Molecular Genetics and Genomics, ARUP Laboratories
Classification: Likely benign. Last evaluated: 2025-04-03. Review status: criteria provided, single submitter. Criteria: ARUP Molecular Germline Variant Investigation Process 2024. Collection method: clinical testing. Allele origin: germline.

GENinCode PLC
Classification: Likely benign for Familial hypercholesterolemia. Last evaluated: 2023-12-04. Review status: criteria provided, single submitter. Criteria: ACMG Guidelines, 2015. Collection method: clinical testing. Allele origin: germline.
Comment: This is a synonymous (silent) variant that is not predicted by SpliceAI to impact splicing. In addition, it occurs at a nucleotide that is not conserved. Therefore this variant has been classified as Likely Benign (BP4, BP7).

Ambry Genetics
Classification: Likely benign for Cardiovascular phenotype. Last evaluated: 2023-01-13. Review status: criteria provided, single submitter. Criteria: Ambry Variant Classification Scheme 2023. Collection method: clinical testing. Allele origin: germline.

Iberoamerican FH Network
Classification: Uncertain significance for Familial hypercholesterolemia. Last evaluated: 2016-03-01. Review status: criteria provided, single submitter. Criteria: ACMG Guidelines, 2015. Collection method: research. Allele origin: germline.
Comment: Variant present in the database from Uruguay